The following is an entry in ClinVar:

NM_016252.4(BIRC6):c.3500-10T>G

Gene: BIRC6 (baculoviral IAP repeat containing 6; plus strand). Cytogenetic location: 2p22.3.
Variant type: single nucleotide variant.
Coding change: c.3500-10T>G on transcript NM_016252.4 (MANE Select); 10 bases into the intron before coding-DNA position 3500, T replaced by G.
Molecular consequence: intron variant.
Genome position (GRCh38, 1-based): chr2:32,436,043, T>G. VCF-style: chr2-32436043-T-G. GRCh37 (hg19) VCF-style: chr2-32661111-T-G.
Other names: c.3458-10T>G (NM_001378125.1).
Identifiers: ClinVar variation 3039608 (VCV003039608.2), dbSNP rs535740674, ClinGen allele CA1603135.

ClinVar aggregate classification (germline): Likely benign (0 of 4 stars; one submission).

Conditions:
BIRC6-related disorder. Also called: BIRC6-related condition.

Allele frequency attached by ClinVar (database versions not stated): TOPMed 0.00002; gnomAD 0.00011; gnomAD exomes 0.00012; 1000 Genomes Project 30x 0.00047; 1000 Genomes Project 0.00060; ExAC 0.00118.
gnomAD v4.1: 172 of 1,362,788 alleles (0.013%); highest among the groups gnomAD compares: South Asian, 0.28%; 2 homozygotes.

Submission:

PreventionGenetics, part of Exact Sciences
Classification: Likely benign for BIRC6-related condition. Last evaluated: 2019-04-03. Review status: no assertion criteria provided. Collection method: clinical testing. Allele origin: germline.
Comment: This variant is classified as likely benign based on ACMG/AMP sequence variant interpretation guidelines (Richards et al. 2015 PMID: 25741868, with internal and published modifications).